The following is an entry in ClinVar:

ClinVar aggregate classification (germline): Uncertain significance. Review status: criteria provided, multiple submitters, no conflicts (2 of 4 stars). 2 submissions from 2 submitters: Uncertain significance (2). Last evaluated 2024-05-29.

Conditions:
Cardiac arrhythmia, ankyrin-B-related. Also called: ANKYRIN-B SYNDROME. Identifiers: Orphanet 101016, Orphanet 768, MedGen C1970119, MONDO:0010958, OMIM 600919.
Long QT syndrome (LQTS). Identifiers: MedGen C0023976, MeSH D008133, MONDO:0002442. Disease mechanism: loss of function. Inheritance: Various modes of inheritance.

Allele frequency attached by ClinVar (database versions not stated): gnomAD exomes below 0.00001 and 0.00001; gnomAD 0.00001; ExAC 0.00002; 1000 Genomes Project 0.00020; 1000 Genomes Project 30x 0.00031.
gnomAD v4.1: 5 of 1,613,294 alleles (0.00031%); highest among the groups gnomAD compares: East Asian, 0.0045%; no homozygotes.

Submissions (2):

Labcorp Genetics (formerly Invitae), Labcorp
Classification: Uncertain significance for Long QT syndrome. Last evaluated: 2024-05-29. Review status: criteria provided, single submitter. Criteria: Invitae Variant Classification Sherloc (09022015). Collection method: clinical testing. Allele origin: germline.
Comment: This sequence change replaces threonine, which is neutral and polar, with alanine, which is neutral and non-polar, at codon 3230 of the ANK2 protein (p.Thr3230Ala). This variant is present in population databases (rs200594514, gnomAD 0.01%). This variant has not been reported in the literature in individuals affected with ANK2-related conditions. ClinVar contains an entry for this variant (Variation ID: 406460). Algorithms developed to predict the effect of missense changes on protein structure and function output the following: SIFT: "Not Available"; PolyPhen-2: "Benign"; Align-GVGD: "Not Available". The alanine amino acid residue is found in multiple mammalian species, which suggests that this missense change does not adversely affect protein function. In summary, the available evidence is currently insufficient to determine the role of this variant in disease. Therefore, it has been classified as a Variant of Uncertain Significance.

Fulgent Genetics
Classification: Uncertain significance for Cardiac arrhythmia, ankyrin-B-related. Last evaluated: 2021-09-07. Review status: criteria provided, single submitter. Criteria: ACMG Guidelines, 2015. Collection method: clinical testing. Allele origin: unknown.

NM_001148.6(ANK2):c.9688A>G (p.Thr3230Ala)

Gene: ANK2 (ankyrin 2; plus strand). Cytogenetic location: 4q26.
Variant type: single nucleotide variant.
Coding change: c.9688A>G on transcript NM_001148.6 (MANE Select); coding-DNA position 9688, A replaced by G.
Protein change: p.Thr3230Ala; replaces threonine 3230 with alanine.
Molecular consequence: missense variant. On other transcripts: intron variant (68).
Genome position (GRCh38, 1-based): chr4:113,358,306, A>G. VCF-style: chr4-113358306-A-G. GRCh37 (hg19) VCF-style: chr4-114279462-A-G.
Other names: c.9454A>G, p.Thr3152Ala (NM_001386142.1); c.6088A>G, p.Thr2030Ala (NM_001386166.1); c.9829A>G, p.Thr3277Ala (NM_001386174.1); c.9805A>G, p.Thr3269Ala (NM_001386175.1); c.4412-2517A>G (NM_001386186.2, NM_001386148.2); c.4214-2517A>G (NM_001354269.3); c.4292-2517A>G (NM_001386187.2); c.4253-2517A>G (NM_001386147.1); and 35 more; short protein forms T3230A, T2030A, T3152A, T3269A, T3277A.
Identifiers: ClinVar variation 406460 (VCV000406460.10), dbSNP rs200594514, ClinGen allele CA3051967.